The following is an entry in ClinVar:

ClinVar aggregate classification (germline): Likely benign. Review status: criteria provided, single submitter (1 of 4 stars). 2 submissions from 2 submitters: Likely benign (1). 1 of the submissions does not count toward it. Last evaluated 2026-01-18.

Conditions:
ANXA11-related disorder. Also called: ANXA11-related condition.

Allele frequency attached by ClinVar (database versions not stated): ExAC 0.00004; gnomAD exomes 0.00006 and 0.00008; TOPMed 0.00006; gnomAD 0.00010 and 0.00011.
gnomAD v4.1: 132 of 1,612,450 alleles (0.0082%); highest among the groups gnomAD compares: East Asian, 0.018%; no homozygotes.

Submissions (2):

Labcorp Genetics (formerly Invitae), Labcorp
Classification: Likely benign. Last evaluated: 2026-01-18. Review status: criteria provided, single submitter. Criteria: Invitae Variant Classification Sherloc (09022015). Collection method: clinical testing. Allele origin: germline.

PreventionGenetics, part of Exact Sciences
Classification: Likely benign for ANXA11-related condition. Last evaluated: 2023-03-15. Review status: no assertion criteria provided. Collection method: clinical testing. Allele origin: germline. Not counted in ClinVar's aggregate classification.
Comment: This variant is classified as likely benign based on ACMG/AMP sequence variant interpretation guidelines (Richards et al. 2015 PMID: 25741868, with internal and published modifications).

NM_145868.2(ANXA11):c.949+8C>T

Gene: ANXA11 (annexin A11; minus strand). Cytogenetic location: 10q22.3.
Variant type: single nucleotide variant.
Coding change: c.949+8C>T on transcript NM_145868.2 (MANE Select); 8 bases into the intron after coding-DNA position 949, C replaced by T.
Molecular consequence: intron variant.
Genome position (GRCh38, 1-based): chr10:80,164,045, G>A on the plus strand (C>T on the coding strand, the complement: ANXA11 is on the minus strand). VCF-style: chr10-80164045-G-A. GRCh37 (hg19) VCF-style: chr10-81923801-G-A.
Other names: c.949+8C>T (NM_001278407.2, NM_001157.3, NM_145869.2 and 2 more transcripts); c.850+8C>T (NM_001278409.2).
Identifiers: ClinVar variation 1665961 (VCV001665961.10), dbSNP rs201628285, ClinGen allele CA5576020.